The following is an entry in ClinVar:

ClinVar aggregate classification (germline): Uncertain significance. Review status: criteria provided, multiple submitters, no conflicts (2 of 4 stars). 2 submissions from 2 submitters: Uncertain significance (2). Last evaluated 2025-05-10.

Conditions:
Hereditary cancer-predisposing syndrome. Also called: Hereditary neoplastic syndrome; Tumor predisposition; Neoplastic Syndromes, Hereditary; Hereditary Cancer Syndrome. Identifiers: Orphanet 140162, MedGen C0027672, MeSH D009386, MONDO:0015356.
Gorlin syndrome. Also called: Basal cell nevus syndrome; Nevoid Basal Cell Carcinoma Syndrome. Identifiers: Orphanet 377, MedGen C0004779, MONDO:0007187.

Submissions (2):

Ambry Genetics
Classification: Uncertain significance for Hereditary cancer-predisposing syndrome. Last evaluated: 2025-05-10. Review status: criteria provided, single submitter. Criteria: Ambry Variant Classification Scheme 2023. Collection method: clinical testing. Allele origin: germline.
Comment: The p.P302A variant (also known as c.904C>G), located in coding exon 6 of the PTCH1 gene, results from a C to G substitution at nucleotide position 904. The proline at codon 302 is replaced by alanine, an amino acid with highly similar properties. This amino acid position is conserved. In addition, the in silico prediction for this alteration is inconclusive. Based on the available evidence, the clinical significance of this variant remains unclear.

Labcorp Genetics (formerly Invitae), Labcorp
Classification: Uncertain significance for Gorlin syndrome. Last evaluated: 2025-02-03. Review status: criteria provided, single submitter. Criteria: Invitae Variant Classification Sherloc (09022015). Collection method: clinical testing. Allele origin: germline.
Comment: This sequence change replaces proline, which is neutral and non-polar, with alanine, which is neutral and non-polar, at codon 302 of the PTCH1 protein (p.Pro302Ala). This variant is not present in population databases (gnomAD no frequency). This variant has not been reported in the literature in individuals affected with PTCH1-related conditions. ClinVar contains an entry for this variant (Variation ID: 963982). Invitae Evidence Modeling of protein sequence and biophysical properties (such as structural, functional, and spatial information, amino acid conservation, physicochemical variation, residue mobility, and thermodynamic stability) has been performed for this missense variant. However, the output from this modeling did not meet the statistical confidence thresholds required to predict the impact of this variant on PTCH1 protein function. In summary, the available evidence is currently insufficient to determine the role of this variant in disease. Therefore, it has been classified as a Variant of Uncertain Significance.

NM_000264.5(PTCH1):c.904C>G (p.Pro302Ala)

Gene: PTCH1 (patched 1; minus strand). Cytogenetic location: 9q22.32.
Variant type: single nucleotide variant.
Coding change: c.904C>G on transcript NM_000264.5 (MANE Select); coding-DNA position 904, C replaced by G.
Protein change: p.Pro302Ala; replaces proline 302 with alanine.
Molecular consequence: missense variant. On other transcripts: non-coding transcript variant (1).
Genome position (GRCh38, 1-based): chr9:95,480,431, G>C on the plus strand (C>G on the coding strand, the complement: PTCH1 is on the minus strand). VCF-style: chr9-95480431-G-C. GRCh37 (hg19) VCF-style: chr9-98242713-G-C.
Other names: c.706C>G, p.Pro236Ala (NM_001083602.3); c.901C>G, p.Pro301Ala (NM_001083603.3); c.451C>G, p.Pro151Ala (NM_001083604.3, NM_001083605.3, NM_001083606.3 and 1 more transcripts); c.904C>G, p.Pro302Ala (NM_001354918.2); short protein forms P151A, P236A, P301A, P302A.
Identifiers: ClinVar variation 963982 (VCV000963982.11), dbSNP rs1197814180, ClinGen allele CA374113777.